The following is an entry in ClinVar:

ClinVar aggregate classification (germline): Uncertain significance. Review status: criteria provided, multiple submitters, no conflicts (2 of 4 stars). 2 submissions from 2 submitters: Uncertain significance (2). Last evaluated 2025-12-10.

Submissions (2):

Greenwood Genetic Center Diagnostic Laboratories, Greenwood Genetic Center
Classification: Uncertain significance. Last evaluated: 2025-12-10. Review status: criteria provided, single submitter. Criteria: ACMG Guidelines, 2015. Collection method: clinical testing. Allele origin: germline. Affected: yes.
Comment: PM2, PP2, BP4

Labcorp Genetics (formerly Invitae), Labcorp
Classification: Uncertain significance. Last evaluated: 2020-12-29. Review status: criteria provided, single submitter. Criteria: Invitae Variant Classification Sherloc (09022015). Collection method: clinical testing. Allele origin: germline.
Comment: This sequence change replaces threonine with alanine at codon 1547 of the CAD protein (p.Thr1547Ala). The threonine residue is weakly conserved and there is a small physicochemical difference between threonine and alanine. In summary, the available evidence is currently insufficient to determine the role of this variant in disease. Therefore, it has been classified as a Variant of Uncertain Significance. Algorithms developed to predict the effect of missense changes on protein structure and function output the following: SIFT: "Tolerated"; PolyPhen-2: "Benign"; Align-GVGD: "Class C0". The alanine amino acid residue is found in multiple mammalian species, suggesting that this missense change does not adversely affect protein function. These predictions have not been confirmed by published functional studies and their clinical significance is uncertain. This variant has not been reported in the literature in individuals with CAD-related conditions. This variant is not present in population databases (ExAC no frequency).

NM_004341.5(CAD):c.4639A>G (p.Thr1547Ala)

Gene: CAD (carbamoyl-phosphate synthetase 2, aspartate transcarbamylase, and dihydroorotase; plus strand). Cytogenetic location: 2p23.3.
Variant type: single nucleotide variant.
Coding change: c.4639A>G on transcript NM_004341.5 (MANE Select); coding-DNA position 4639, A replaced by G.
Protein change: p.Thr1547Ala; replaces threonine 1547 with alanine.
Molecular consequence: missense variant.
Genome position (GRCh38, 1-based): chr2:27,237,793, A>G. VCF-style: chr2-27237793-A-G. GRCh37 (hg19) VCF-style: chr2-27460661-A-G.
Other names: c.4450A>G, p.Thr1484Ala (NM_001306079.2); short protein forms T1484A, T1547A.
Identifiers: ClinVar variation 1498613 (VCV001498613.9), dbSNP rs2148087842, ClinGen allele CA346221110.